The following is an entry in ClinVar:

ClinVar aggregate classification (germline): Likely benign (0 of 4 stars; one submission).

Conditions:
XIRP2-related disorder. Also called: XIRP2-related condition.

Allele frequency attached by ClinVar (database versions not stated): TOPMed below 0.00001.

Submission:

PreventionGenetics, part of Exact Sciences
Classification: Likely benign for XIRP2-related condition. Last evaluated: 2019-04-09. Review status: no assertion criteria provided. Collection method: clinical testing. Allele origin: germline.
Comment: This variant is classified as likely benign based on ACMG/AMP sequence variant interpretation guidelines (Richards et al. 2015 PMID: 25741868, with internal and published modifications).

NM_152381.6(XIRP2):c.4473G>A (p.Val1491=)

Gene: XIRP2 (xin actin binding repeat containing 2; plus strand). Cytogenetic location: 2q24.3.
Variant type: single nucleotide variant.
Coding change: c.4473G>A on transcript NM_152381.6 (MANE Select); coding-DNA position 4473, G replaced by A.
Protein change: p.Val1491=; no amino-acid change (valine 1491 retained).
Molecular consequence: synonymous variant. On other transcripts: intron variant (3).
Genome position (GRCh38, 1-based): chr2:167,245,865, G>A. VCF-style: chr2-167245865-G-A. GRCh37 (hg19) VCF-style: chr2-168102375-G-A.
Other names: c.3807G>A, p.Val1269= (NM_001199144.2); c.1275+3955G>A (NM_001199143.2); c.1176+3955G>A (NM_001079810.4); c.510+3955G>A (NM_001199145.2).
Identifiers: ClinVar variation 3047829 (VCV003047829.2), dbSNP rs1695241303, ClinGen allele CA429981780.